The following is an entry in ClinVar:

NM_006767.4(LZTR1):c.617G>T (p.Gly206Val)

Gene: LZTR1 (leucine zipper like post translational regulator 1; plus strand). Cytogenetic location: 22q11.21.
Variant type: single nucleotide variant.
Coding change: c.617G>T on transcript NM_006767.4 (MANE Select); coding-DNA position 617, G replaced by T.
Protein change: p.Gly206Val; replaces glycine 206 with valine.
Molecular consequence: missense variant.
Genome position (GRCh38, 1-based): chr22:20,989,648, G>T. VCF-style: chr22-20989648-G-T. GRCh37 (hg19) VCF-style: chr22-21343937-G-T.
Other names: short protein forms G206V.
Identifiers: ClinVar variation 4101928 (VCV004101928.2).

ClinVar aggregate classification (germline): Uncertain significance. Review status: criteria provided, multiple submitters, no conflicts (2 of 4 stars). 2 submissions from 2 submitters: Uncertain significance (2). Last evaluated 2025-08-20.

Conditions:
Cardiovascular phenotype. Identifiers: MedGen CN230736.
Hereditary cancer-predisposing syndrome. Also called: Tumor predisposition; Neoplastic Syndromes, Hereditary; Hereditary neoplastic syndrome; Hereditary Cancer Syndrome. Identifiers: Orphanet 140162, MedGen C0027672, MeSH D009386, MONDO:0015356.

Submissions (2):

Ambry Genetics
Classification: Uncertain significance for Cardiovascular phenotype; Hereditary cancer-predisposing syndrome. Last evaluated: 2025-08-20. Review status: criteria provided, single submitter. Criteria: Ambry Variant Classification Scheme 2023. Collection method: clinical testing. Allele origin: germline.
Comment: The p.G206V variant (also known as c.617G>T), located in coding exon 7 of the LZTR1 gene, results from a G to T substitution at nucleotide position 617. The glycine at codon 206 is replaced by valine, an amino acid with dissimilar properties. This amino acid position is conserved. In addition, the in silico prediction for this alteration is inconclusive. Based on the available evidence, the clinical significance of this variant remains unclear.

Labcorp Genetics (formerly Invitae), Labcorp
Classification: Uncertain significance. Last evaluated: 2025-07-10. Review status: criteria provided, single submitter. Criteria: Invitae Variant Classification Sherloc (09022015). Collection method: clinical testing. Allele origin: germline.
Comment: This sequence change replaces glycine, which is neutral and non-polar, with valine, which is neutral and non-polar, at codon 206 of the LZTR1 protein (p.Gly206Val). This variant is not present in population databases (gnomAD no frequency). This variant has not been reported in the literature in individuals affected with LZTR1-related conditions. Invitae Evidence Modeling of protein sequence and biophysical properties (such as structural, functional, and spatial information, amino acid conservation, physicochemical variation, residue mobility, and thermodynamic stability) indicates that this missense variant is not expected to disrupt LZTR1 protein function with a negative predictive value of 80%. In summary, the available evidence is currently insufficient to determine the role of this variant in disease. Therefore, it has been classified as a Variant of Uncertain Significance.